The following is an entry in ClinVar:

NM_003079.5(SMARCE1):c.816G>T (p.Arg272Ser)

Gene: SMARCE1 (SWI/SNF related BAF chromatin remodeling complex subunit E1; minus strand). Cytogenetic location: 17q21.2.
Variant type: single nucleotide variant.
Coding change: c.816G>T on transcript NM_003079.5 (MANE Select); coding-DNA position 816, G replaced by T.
Protein change: p.Arg272Ser; replaces arginine 272 with serine.
Molecular consequence: missense variant.
Genome position (GRCh38, 1-based): chr17:40,631,592, C>A on the plus strand (G>T on the coding strand, the complement: SMARCE1 is on the minus strand). VCF-style: chr17-40631592-C-A. GRCh37 (hg19) VCF-style: chr17-38787844-C-A.
Other names: short protein forms R272S.
Identifiers: ClinVar variation 836754 (VCV000836754.11), dbSNP rs2037096217, ClinGen allele CA399364078.

ClinVar aggregate classification (germline): Uncertain significance. Review status: criteria provided, multiple submitters, no conflicts (2 of 4 stars). 2 submissions from 2 submitters: Uncertain significance (2). Last evaluated 2023-09-13.

Conditions:
Hereditary cancer-predisposing syndrome. Also called: Hereditary neoplastic syndrome; Neoplastic Syndromes, Hereditary; Tumor predisposition; Hereditary Cancer Syndrome. Identifiers: Orphanet 140162, MedGen C0027672, MeSH D009386, MONDO:0015356.
Familial meningioma. Also called: Meningioma, familial, susceptibility to. Identifiers: Orphanet 263662, MedGen C3551915, MONDO:0011789, OMIM 607174.

Submissions (2):

Ambry Genetics
Classification: Uncertain significance for Hereditary cancer-predisposing syndrome. Last evaluated: 2023-09-13. Review status: criteria provided, single submitter. Criteria: Ambry Variant Classification Scheme 2023. Collection method: clinical testing. Allele origin: germline.
Comment: The c.816G>T variant (also known as p.R272S), located in coding exon 8 of the SMARCE1 gene, results from a G to T substitution at nucleotide position 816. The amino acid change results in arginine to serine at codon 272, an amino acid with dissimilar properties. However, this change occurs in the last base pair of coding exon 8, which makes it likely to have some effect on normal mRNA splicing. The nucleotide and amino acid positions are highly conserved in available vertebrate species. In silico splice site analysis predicts that this alteration may weaken the native splice donor site. RNA studies have demonstrated that this alteration results in an incomplete splice defect; the clinical impact of this abnormal splicing is unknown at this time (Ambry internal data). In addition, as a missense variant, the in silico prediction for this alteration is inconclusive. Since supporting evidence is limited at this time, the clinical significance of this alteration remains unclear.

Labcorp Genetics (formerly Invitae), Labcorp
Classification: Uncertain significance for Familial meningioma. Last evaluated: 2019-04-28. Review status: criteria provided, single submitter. Criteria: Invitae Variant Classification Sherloc (09022015). Collection method: clinical testing. Allele origin: germline.
Comment: This sequence change replaces arginine with serine at codon 272 of the SMARCE1 protein (p.Arg272Ser). The arginine residue is highly conserved and there is a moderate physicochemical difference between arginine and serine. This variant also falls at the last nucleotide of exon 9 of the SMARCE1 coding sequence, which is part of the consensus splice site for this exon. In summary, the available evidence is currently insufficient to determine the role of this variant in disease. Therefore, it has been classified as a Variant of Uncertain Significance. Nucleotide substitutions within the consensus splice site are a relatively common cause of aberrant splicing (PMID: 17576681, 9536098). Algorithms developed to predict the effect of sequence changes on RNA splicing suggest that this variant may disrupt the consensus splice site, but this prediction has not been confirmed by published transcriptional studies. Algorithms developed to predict the effect of missense changes on protein structure and function are either unavailable or do not agree on the potential impact of this missense change (SIFT: "Deleterious"; PolyPhen-2: "Benign"; Align-GVGD: "Class C35"). This variant has not been reported in the literature in individuals with SMARCE1-related conditions. This variant is not present in population databases (ExAC no frequency).

Literature cited by the submitters: PubMed 17576681 (cited by Labcorp Genetics (formerly Invitae), Labcorp); PubMed 9536098 (cited by Labcorp Genetics (formerly Invitae), Labcorp).